The following is an entry in ClinVar:

NM_018060.4(IARS2):c.1426C>T (p.Arg476Cys)

Gene: IARS2 (isoleucyl-tRNA synthetase 2, mitochondrial; plus strand). Cytogenetic location: 1q41.
Variant type: single nucleotide variant.
Coding change: c.1426C>T on transcript NM_018060.4 (MANE Select); coding-DNA position 1426, C replaced by T.
Protein change: p.Arg476Cys; replaces arginine 476 with cysteine.
Molecular consequence: missense variant.
Genome position (GRCh38, 1-based): chr1:220,110,884, C>T. VCF-style: chr1-220110884-C-T. GRCh37 (hg19) VCF-style: chr1-220284226-C-T.
Other names: short protein forms R476C.
Identifiers: ClinVar variation 3600824 (VCV003600824.1).

ClinVar aggregate classification (germline): Uncertain significance (1 of 4 stars; one submission).

gnomAD v4.1: 24 of 1,613,554 alleles (0.0015%); highest among the groups gnomAD compares: Non-Finnish European, 0.0019%; no homozygotes.

Submission:

GeneDx
Classification: Uncertain significance. Last evaluated: 2024-07-23. Review status: criteria provided, single submitter. Criteria: GeneDx Variant Classification Process June 2021. Collection method: clinical testing. Allele origin: germline. Affected: yes.
Comment: Not observed at significant frequency in large population cohorts (gnomAD); In silico analysis supports that this missense variant has a deleterious effect on protein structure/function; Has not been previously published as pathogenic or benign to our knowledge